The following is an entry in ClinVar:

ClinVar aggregate classification (germline): Uncertain significance (1 of 4 stars; one submission).

Conditions:
Hereditary spastic paraplegia 30. Identifiers: Orphanet 101010, MedGen C5235139, MONDO:0012476.
Neuropathy, hereditary sensory, type 2C. Also called: Hereditary sensory and autonomic neuropathy type IIC; KIF1A-Related HSAN2 (HSAN2C). Identifiers: Orphanet 970, MedGen C3280168, MONDO:0013634, OMIM 614213.
Intellectual disability, autosomal dominant 9 (NESCAVS). Also called: NESCAV SYNDROME; KIF1A-Related Neurodevelopmental Disorder. Identifiers: Orphanet 662367, MedGen C5393830, MONDO:0013656, OMIM 614255.

Allele frequency attached by ClinVar (database versions not stated): gnomAD exomes below 0.00001; TOPMed below 0.00001.
gnomAD v4.1: 1 of 1,544,764 alleles (0.000065%); highest among the groups gnomAD compares: Non-Finnish European, 0.000087%; no homozygotes.

Submission:

Labcorp Genetics (formerly Invitae), Labcorp
Classification: Uncertain significance for Hereditary spastic paraplegia 30; Neuropathy, hereditary sensory, type 2C; Intellectual disability, autosomal dominant 9. Last evaluated: 2022-07-27. Review status: criteria provided, single submitter. Criteria: Invitae Variant Classification Sherloc (09022015). Collection method: clinical testing. Allele origin: germline.
Comment: This variant has not been reported in the literature in individuals affected with KIF1A-related conditions. In summary, the available evidence is currently insufficient to determine the role of this variant in disease. Therefore, it has been classified as a Variant of Uncertain Significance. Variants that disrupt the consensus splice site are a relatively common cause of aberrant splicing (PMID: 17576681, 9536098). Algorithms developed to predict the effect of sequence changes on RNA splicing suggest that this variant is not likely to affect RNA splicing. This variant is not present in population databases (gnomAD no frequency). This sequence change falls in intron 39 of the KIF1A gene. It does not directly change the encoded amino acid sequence of the KIF1A protein. It affects a nucleotide within the consensus splice site.

Literature cited by the submitters: PubMed 17576681; PubMed 9536098.

NM_001244008.2(KIF1A):c.4464+5G>A

Gene: KIF1A (kinesin family member 1A; minus strand). Cytogenetic location: 2q37.3.
Variant type: single nucleotide variant.
Coding change: c.4464+5G>A on transcript NM_001244008.2 (MANE Select); 5 bases into the intron after coding-DNA position 4464, G replaced by A.
Molecular consequence: intron variant.
Genome position (GRCh38, 1-based): chr2:240,723,408, C>T on the plus strand (G>A on the coding strand, the complement: KIF1A is on the minus strand). VCF-style: chr2-240723408-C-T. GRCh37 (hg19) VCF-style: chr2-241662825-C-T.
Other names: c.4161+5G>A (NM_001379653.1, NM_001379650.1, NM_001379641.1 and 2 more transcripts); c.4437+5G>A (NM_001379645.1, NM_001379633.1); c.4287+5G>A (NM_001379635.1, NM_001379646.1); c.4158+5G>A (NM_001379640.1); c.4185+5G>A (NM_001379639.1); c.4188+5G>A (NM_001379649.1, NM_001320705.2); c.4275+5G>A (NM_001379636.1); c.4440+5G>A (NM_001379632.1); and 7 more.
Identifiers: ClinVar variation 2019885 (VCV002019885.4), dbSNP rs2045638164, ClinGen allele CA1339257253.